The following is an entry in ClinVar:

ClinVar aggregate classification (germline): Uncertain significance (1 of 4 stars; one submission).

Allele frequency attached by ClinVar (database versions not stated): gnomAD 0.00001; TOPMed 0.00003.
gnomAD v4.1: 31 of 1,613,856 alleles (0.0019%); highest among the groups gnomAD compares: Non-Finnish European, 0.0023%; no homozygotes.

Submission:

Labcorp Genetics (formerly Invitae), Labcorp
Classification: Uncertain significance. Last evaluated: 2025-06-30. Review status: criteria provided, single submitter. Criteria: Invitae Variant Classification Sherloc (09022015). Collection method: clinical testing. Allele origin: germline.
Comment: This sequence change falls in intron 4 of the MYH3 gene. It does not directly change the encoded amino acid sequence of the MYH3 protein. It affects a nucleotide within the consensus splice site. This variant is not present in population databases (gnomAD no frequency). This variant has not been reported in the literature in individuals affected with MYH3-related conditions. ClinVar contains an entry for this variant (Variation ID: 1442564). Variants that disrupt the consensus splice site are a relatively common cause of aberrant splicing (PMID: 17576681, 9536098). Algorithms developed to predict the effect of sequence changes on RNA splicing suggest that this variant may disrupt the consensus splice site. In summary, the available evidence is currently insufficient to determine the role of this variant in disease. Therefore, it has been classified as a Variant of Uncertain Significance.

Literature cited by the submitters: PubMed 17576681; PubMed 9536098.

NM_002470.4(MYH3):c.349-3C>G

Gene: MYH3 (myosin heavy chain 3; minus strand). Cytogenetic location: 17p13.1.
Variant type: single nucleotide variant.
Coding change: c.349-3C>G on transcript NM_002470.4 (MANE Select); 3 bases into the intron before coding-DNA position 349, C replaced by G.
Molecular consequence: intron variant.
Genome position (GRCh38, 1-based): chr17:10,651,671, G>C on the plus strand (C>G on the coding strand, the complement: MYH3 is on the minus strand). VCF-style: chr17-10651671-G-C. GRCh37 (hg19) VCF-style: chr17-10554988-G-C.
Identifiers: ClinVar variation 1442564 (VCV001442564.8), dbSNP rs1283906363, ClinGen allele CA725975121.
Genomic context (GRCh38, chr17:10,651,671, plus strand): 5'-TGTACACCGGCAGCCACTTGTAGGGGTTGACAGTGACACAGAAGAGGCCTGAGTAGGTCT[G>C]TGGGAGGAAAAACATATACGTGCGTATATGTATGTATGTGCATATGGAAAACCCCTTGCC-3'